The following is an entry in ClinVar:

ClinVar aggregate classification (germline): Likely benign (1 of 4 stars; one submission).

Allele frequency attached by ClinVar (database versions not stated): TOPMed below 0.00001; ExAC 0.00001; gnomAD exomes 0.00001.
gnomAD v4.1: 16 of 1,613,656 alleles (0.00099%); highest among the groups gnomAD compares: Non-Finnish European, 0.0014%; no homozygotes.

Submission:

CeGaT Center for Human Genetics Tuebingen
Classification: Likely benign. Last evaluated: 2023-04-01. Review status: criteria provided, single submitter. Criteria: CeGaT Center For Human Genetics Tuebingen Variant Classification Criteria Version 2. Collection method: clinical testing. Allele origin: germline. Affected: yes. Observed: 1 variant allele.
Comment: CIC: BP4, BP7

NM_001386298.1(CIC):c.4443G>A (p.Arg1481=)

Gene: CIC (capicua transcriptional repressor; plus strand). Cytogenetic location: 19q13.2.
Variant type: single nucleotide variant.
Coding change: c.4443G>A on transcript NM_001386298.1 (MANE Select); coding-DNA position 4443, G replaced by A.
Protein change: p.Arg1481=; no amino-acid change (arginine 1481 retained).
Molecular consequence: synonymous variant.
Genome position (GRCh38, 1-based): chr19:42,290,484, G>A. VCF-style: chr19-42290484-G-A. GRCh37 (hg19) VCF-style: chr19-42794636-G-A.
Other names: c.4443G>A, p.Arg1481= (NM_001304815.2, NM_001379480.1, NM_001379482.1 and 1 more transcripts); c.1716G>A, p.Arg572= (NM_001379484.1, NM_001379485.1, NM_015125.5).
Identifiers: ClinVar variation 2649994 (VCV002649994.24), dbSNP rs775299573, ClinGen allele CA9472087.
Genomic context (GRCh38, chr19:42,290,484, plus strand): 5'-GGGCTCAGGAACCTTCAAGGCCCAGGAGTCTGGTCAGGGCAGCACAGCGGGCCCCCTACG[G>A]CCCCCACCCCCTGGGGCTGGGGGTCCAGCGACACCTTCCAAGGCAACCCGGTTCCTCCCA-3'
Protein context (NP_001373227.1, residues 1471-1491): SGQGSTAGPL[Arg1481=]PPPPGAGGPA